The following is an entry in ClinVar:

NM_000632.4(ITGAM):c.2927G>T (p.Arg976Leu)

Gene: ITGAM (integrin subunit alpha M; plus strand). Cytogenetic location: 16p11.2.
Variant type: single nucleotide variant.
Coding change: c.2927G>T on transcript NM_000632.4 (MANE Select); coding-DNA position 2927, G replaced by T.
Protein change: p.Arg976Leu; replaces arginine 976 with leucine.
Molecular consequence: missense variant.
Genome position (GRCh38, 1-based): chr16:31,329,856, G>T. VCF-style: chr16-31329856-G-T. GRCh37 (hg19) VCF-style: chr16-31341177-G-T.
Other names: c.2930G>T, p.Arg977Leu (NM_001145808.2); short protein forms R976L, R977L.
Identifiers: ClinVar variation 3627725 (VCV003627725.2).

ClinVar aggregate classification (germline): Uncertain significance (1 of 4 stars; one submission).

gnomAD v4.1: 39 of 1,564,672 alleles (0.0025%); highest among the groups gnomAD compares: African/African-American, 0.053%; no homozygotes.

Submission:

Labcorp Genetics (formerly Invitae), Labcorp
Classification: Uncertain significance. Last evaluated: 2025-03-03. Review status: criteria provided, single submitter. Criteria: Invitae Variant Classification Sherloc (09022015). Collection method: clinical testing. Allele origin: germline.
Comment: This sequence change replaces arginine, which is basic and polar, with leucine, which is neutral and non-polar, at codon 976 of the ITGAM protein (p.Arg976Leu). The frequency data for this variant in the population databases is considered unreliable, as metrics indicate poor data quality at this position in the gnomAD database. This variant has not been reported in the literature in individuals affected with ITGAM-related conditions. An algorithm developed to predict the effect of missense changes on protein structure and function outputs the following: PolyPhen-2: "Benign". The leucine amino acid residue is found in multiple mammalian species, which suggests that this missense change does not adversely affect protein function. In summary, the available evidence is currently insufficient to determine the role of this variant in disease. Therefore, it has been classified as a Variant of Uncertain Significance.